The following is an entry in ClinVar:

NM_000179.3(MSH6):c.1773A>G (p.Pro591=)

Gene: MSH6 (mutS homolog 6; plus strand). Cytogenetic location: 2p16.3.
Variant type: single nucleotide variant.
Coding change: c.1773A>G on transcript NM_000179.3 (MANE Select); coding-DNA position 1773, A replaced by G.
Protein change: p.Pro591=; no amino-acid change (proline 591 retained).
Molecular consequence: synonymous variant.
Genome position (GRCh38, 1-based): chr2:47,799,756, A>G. VCF-style: chr2-47799756-A-G. GRCh37 (hg19) VCF-style: chr2-48026895-A-G.
Other names: c.1383A>G, p.Pro461= (NM_001281492.2); c.867A>G, p.Pro289= (NM_001281493.2, NM_001281494.2).
Identifiers: ClinVar variation 416149 (VCV000416149.46), dbSNP rs752239740, ClinGen allele CA068122.
Genomic context (GRCh38, chr2:47,799,756, plus strand): 5'-TCAGTTTTCAGATGATCGCCATTGTTCGAGATTTAGGACTCTAGTGGCACACTATCCCCC[A>G]GTACAAGTTTTATTTGAAAAAGGAAATCTCTCAAAGGAAACTAAAACAATTCTAAAGAGT-3'
Protein context (NP_000170.1, residues 581-601): RFRTLVAHYP[Pro591=]VQVLFEKGNL

ClinVar aggregate classification (germline): Benign/Likely benign. Review status: criteria provided, multiple submitters, no conflicts (2 of 4 stars). 11 submissions from 11 submitters: Benign (2); Likely benign (8). 1 of the submissions does not count toward it. Last evaluated 2025-12-24.

Conditions:
Hereditary nonpolyposis colorectal neoplasms. Identifiers: MedGen C0009405, MeSH D003123.
Hereditary cancer-predisposing syndrome. Also called: Tumor predisposition; Hereditary neoplastic syndrome; Hereditary Cancer Syndrome; Neoplastic Syndromes, Hereditary. Identifiers: Orphanet 140162, MedGen C0027672, MeSH D009386, MONDO:0015356.
Lynch syndrome. Identifiers: Orphanet 144, MedGen C4552100, MONDO:0005835. Disease mechanism: loss of function.
Lynch syndrome 5 (LYNCH5). Also called: Hereditary non-polyposis colorectal cancer, type 5; Colorectal cancer, hereditary nonpolyposis, type 5. Identifiers: Orphanet 144, MedGen C1833477, MONDO:0013710, OMIM 614350. Disease mechanism: loss of function.
Malignant tumor of breast. Also called: Malignant breast neoplasm; Cancer breast. Identifiers: MedGen C0006142, MONDO:0007254. Disease mechanism: loss of function.

Allele frequency attached by ClinVar (database versions not stated): gnomAD 0.00001 and 0.00002; TOPMed 0.00001; gnomAD exomes 0.00004; ExAC 0.00007; 1000 Genomes Project 30x 0.00016.
gnomAD v4.1: 40 of 1,614,208 alleles (0.0025%); highest among the groups gnomAD compares: Non-Finnish European, 0.0022%; no homozygotes.

Submissions (11):

Labcorp Genetics (formerly Invitae), Labcorp
Classification: Likely benign for Hereditary nonpolyposis colorectal neoplasms. Last evaluated: 2025-12-24. Review status: criteria provided, single submitter. Criteria: Invitae Variant Classification Sherloc (09022015). Collection method: clinical testing. Allele origin: germline.

Center for Genomic Medicine, Rigshospitalet, Copenhagen University Hospital
Classification: Likely benign. Last evaluated: 2025-03-04. Review status: criteria provided, single submitter. Criteria: ACMG Guidelines, 2015. Collection method: clinical testing. Allele origin: germline.

Myriad Genetics, Inc.
Classification: Benign for Lynch syndrome 5. Last evaluated: 2024-12-27. Review status: criteria provided, single submitter. Criteria: Myriad Autosomal Dominant, Autosomal Recessive and X-Linked Classification Criteria (2023). Collection method: clinical testing. Allele origin: unknown.
Comment: This variant is considered benign. This variant is a silent/synonymous amino acid change and it is not expected to impact splicing.

CeGaT Center for Human Genetics Tuebingen
Classification: Likely benign. Last evaluated: 2024-10-01. Review status: criteria provided, single submitter. Criteria: CeGaT Center For Human Genetics Tuebingen Variant Classification Criteria Version 2. Collection method: clinical testing. Allele origin: germline. Affected: yes. Observed: 2 variant alleles.
Comment: MSH6: BP4, BP7

Blueprint Genetics
Classification: Likely benign. Last evaluated: 2024-08-28. Review status: criteria provided, single submitter. Criteria: ACMG Guidelines, 2015. Collection method: clinical testing. Allele origin: germline.

All of Us Research Program, National Institutes of Health
Classification: Likely benign for Lynch syndrome. Last evaluated: 2023-11-30. Review status: criteria provided, single submitter. Criteria: ACMG Guidelines, 2015. Collection method: clinical testing. Allele origin: germline. Inheritance: Autosomal dominant inheritance. Observed: 5 variant alleles, 5 heterozygotes.
Comment: This study involves interpretation of variants in research participants for the purpose of population health screening. Participant phenotype was not available at the time of variant classification. Additional details can be found in publication PMID: 35346344, PMCID: PMC8962531

Women's Health and Genetics/Laboratory Corporation of America, LabCorp
Classification: Likely benign. Last evaluated: 2022-04-08. Review status: criteria provided, single submitter. Criteria: LabCorp Variant Classification Summary - May 2015. Collection method: clinical testing. Allele origin: germline.

Color Diagnostics, LLC DBA Color Health
Classification: Likely benign for Hereditary cancer-predisposing syndrome. Last evaluated: 2016-03-29. Review status: criteria provided, single submitter. Criteria: ACMG Guidelines, 2015. Collection method: clinical testing. Allele origin: germline.

Ambry Genetics
Classification: Likely benign for Hereditary cancer-predisposing syndrome. Last evaluated: 2016-01-19. Review status: criteria provided, single submitter. Criteria: Ambry Variant Classification Scheme 2023. Collection method: clinical testing. Allele origin: germline.

GeneDx
Classification: Benign. Last evaluated: 2015-09-29. Review status: criteria provided, single submitter. Criteria: GeneDx Variant Classification Process June 2021. Collection method: clinical testing. Allele origin: germline. Affected: yes.

Department of Pathology and Laboratory Medicine, Sinai Health System
Classification: Uncertain significance for Malignant tumor of breast. Review status: no assertion criteria provided. Collection method: clinical testing. Allele origin: unknown. Affected: yes. Study: The Canadian Open Genetics Repository (COGR). Not counted in ClinVar's aggregate classification.
Comment: The MSH6 p.Pro591= variant was not identified in the literature nor was it identified in the COGR, Cosmic, UMD-LSDB, Zhejiang University Database, Mismatch Repair Genes Variant Database, or Insight Hereditary Tumors database. The variant was identified in dbSNP (ID: rs752239740 as "With Likely benign allele") and ClinVar (3x as likely benign by Invitae, Ambry Genetics, and Color Genomics). The variant was identified in control databases in 9 of 245998 chromosomes at a frequency of 0.00004 (Genome Aggregation Database Feb 27, 2017). The variant was observed in the following populations: European in 7 of 111488 chromosomes (freq: 0.00006) and Finnish in 2 of 22300 chromosomes (freq: 0.00009); it was not observed in the African, Other, Latino, Ashkenazi Jewish, East Asian, or South Asian populations. The p.Pro591= variant is not expected to have clinical significance because it does not result in a change of amino acid and is not located in a known consensus splice site. The variant occurs outside of the splicing consensus sequence and 2 of 5 in silico or computational prediction software programs (SpliceSiteFinder, MaxEntScan, NNSPLICE, GeneSplicer, HumanSpliceFinder) predict a greater than 10% difference in splicing; this is not very predictive of pathogenicity. In summary, based on the above information the clinical significance of this variant cannot be determined with certainty at this time. This variant is classified as a variant of uncertain significance.